The following is an entry in ClinVar:

ClinVar aggregate classification (germline): Benign/Likely benign. Review status: criteria provided, multiple submitters, no conflicts (2 of 4 stars). 4 submissions from 4 submitters: Benign (1); Likely benign (3). Last evaluated 2025-10-31.

Conditions:
Hypermanganesemia with dystonia, polycythemia, and cirrhosis (HMNDYT1). Also called: Cirrhosis - dystonia - polycythemia - hypermanganesemia syndrome; Hepatic Cirrhosis, Dystonia, Polycythemia and Hypermanganesemia; Hypermanganesemia with Dystonia 1. Identifiers: Orphanet 309854, MedGen C2750442, MONDO:0013208, OMIM 613280.

Allele frequency attached by ClinVar (database versions not stated): gnomAD 0.00002 and 0.00017; TOPMed 0.00007; gnomAD exomes 0.00030 and 0.00059; ExAC 0.00065; 1000 Genomes Project 30x 0.00094; 1000 Genomes Project 0.00100.
gnomAD v4.1: 479 of 1,614,238 alleles (0.03%); highest among the groups gnomAD compares: South Asian, 0.46%; 7 homozygotes.

Submissions (4):

Labcorp Genetics (formerly Invitae), Labcorp
Classification: Benign. Last evaluated: 2025-10-31. Review status: criteria provided, single submitter. Criteria: Invitae Variant Classification Sherloc (09022015). Collection method: clinical testing. Allele origin: germline.

Blueprint Genetics
Classification: Likely benign. Last evaluated: 2024-07-11. Review status: criteria provided, single submitter. Criteria: ACMG Guidelines, 2015. Collection method: clinical testing. Allele origin: germline.

GeneDx
Classification: Likely benign. Last evaluated: 2019-07-05. Review status: criteria provided, single submitter. Criteria: GeneDx Variant Classification Process June 2021. Collection method: clinical testing. Allele origin: germline. Affected: yes.

Illumina Laboratory Services, Illumina
Classification: Likely benign for Hypermanganesemia with dystonia, polycythemia, and cirrhosis. Last evaluated: 2018-01-12. Review status: criteria provided, single submitter. Criteria: ICSL Variant Classification Criteria 13 December 2019. Collection method: clinical testing. Allele origin: germline.
Comment: This variant was observed in the ICSL laboratory as part of a predisposition screen in an ostensibly healthy population. It had not been previously curated by ICSL or reported in the Human Gene Mutation Database (HGMD: prior to June 1st, 2018), and was therefore a candidate for classification through an automated scoring system. Utilizing variant allele frequency, disease prevalence and penetrance estimates, and inheritance mode, an automated score was calculated to assess if this variant is too frequent to cause the disease. Based on the score and internal cut-off values, a variant classified as likely benign is not then subjected to further curation. The score for this variant resulted in a classification of likely benign for this disease.

NM_018713.3(SLC30A10):c.1272C>T (p.His424=)

Gene: SLC30A10 (solute carrier family 30 member 10; minus strand). Cytogenetic location: 1q41.
Variant type: single nucleotide variant.
Coding change: c.1272C>T on transcript NM_018713.3 (MANE Select); coding-DNA position 1272, C replaced by T.
Protein change: p.His424=; no amino-acid change (histidine 424 retained).
Molecular consequence: synonymous variant. On other transcripts: non-coding transcript variant (2).
Genome position (GRCh38, 1-based): chr1:219,915,635, G>A on the plus strand (C>T on the coding strand, the complement: SLC30A10 is on the minus strand). VCF-style: chr1-219915635-G-A. GRCh37 (hg19) VCF-style: chr1-220088977-G-A.
Other names: c.1083C>T, p.His361= (NM_001376929.1).
Identifiers: ClinVar variation 295583 (VCV000295583.15), dbSNP rs544895572, ClinGen allele CA1399142.
Genomic context (GRCh38, chr1:219,915,635, plus strand): 5'-GCCATCACTTCCGTATGTGTCTAGAGAGGGCCCACCATTGTGCTCAGCACAGCCATTGAC[G>A]TGAGCCAGAGGCAGTGCCCCGGGGGGACAACACAGCTGCTTAGCACAGCCCTTGGAGATG-3'
Protein context (NP_061183.2, residues 414-434): CCPPGALPLA[His424=]VNGCAEHNGG